The following is an entry in ClinVar:

ClinVar aggregate classification (germline): Uncertain significance (1 of 4 stars; one submission).

Allele frequency attached by ClinVar (database versions not stated): ExAC 0.00001; gnomAD 0.00001; TOPMed 0.00001.
gnomAD v4.1: 10 of 1,614,024 alleles (0.00062%); highest among the groups gnomAD compares: Non-Finnish European, 0.00068%; no homozygotes.

Submission:

Labcorp Genetics (formerly Invitae), Labcorp
Classification: Uncertain significance. Last evaluated: 2022-07-18. Review status: criteria provided, single submitter. Criteria: Invitae Variant Classification Sherloc (09022015). Collection method: clinical testing. Allele origin: germline.
Comment: This variant has not been reported in the literature in individuals affected with VPS13D-related conditions. This variant is present in population databases (rs752503639, gnomAD 0.004%). This sequence change replaces arginine, which is basic and polar, with cysteine, which is neutral and slightly polar, at codon 125 of the VPS13D protein (p.Arg125Cys). Algorithms developed to predict the effect of missense changes on protein structure and function output the following: SIFT: "Not Available"; PolyPhen-2: "Benign"; Align-GVGD: "Not Available". The cysteine amino acid residue is found in multiple mammalian species, which suggests that this missense change does not adversely affect protein function. In summary, the available evidence is currently insufficient to determine the role of this variant in disease. Therefore, it has been classified as a Variant of Uncertain Significance.

NM_015378.4(VPS13D):c.373C>T (p.Arg125Cys)

Gene: VPS13D (vacuolar protein sorting 13 homolog D; plus strand). Cytogenetic location: 1p36.22.
Variant type: single nucleotide variant.
Coding change: c.373C>T on transcript NM_015378.4 (MANE Select); coding-DNA position 373, C replaced by T.
Protein change: p.Arg125Cys; replaces arginine 125 with cysteine.
Molecular consequence: missense variant.
Genome position (GRCh38, 1-based): chr1:12,244,543, C>T. VCF-style: chr1-12244543-C-T. GRCh37 (hg19) VCF-style: chr1-12304600-C-T.
Other names: c.373C>T, p.Arg125Cys (NM_018156.4); short protein forms R125C.
Identifiers: ClinVar variation 1937324 (VCV001937324.3), dbSNP rs752503639, ClinGen allele CA601191.